The following is an entry in ClinVar:

NM_001282531.3(ADNP):c.3019A>G (p.Arg1007Gly)

Gene: ADNP (activity dependent neuroprotector homeobox; minus strand). Cytogenetic location: 20q13.13.
Variant type: single nucleotide variant.
Coding change: c.3019A>G on transcript NM_001282531.3 (MANE Select); coding-DNA position 3019, A replaced by G.
Protein change: p.Arg1007Gly; replaces arginine 1007 with glycine.
Molecular consequence: missense variant.
Genome position (GRCh38, 1-based): chr20:50,891,695, T>C on the plus strand (A>G on the coding strand, the complement: ADNP is on the minus strand). VCF-style: chr20-50891695-T-C. GRCh37 (hg19) VCF-style: chr20-49508232-T-C.
Other names: c.3019A>G, p.Arg1007Gly (NM_001282532.2, NM_001347511.2, NM_015339.5 and 1 more transcripts); short protein forms R1007G.
Identifiers: ClinVar variation 1399552 (VCV001399552.6), dbSNP rs776999443, ClinGen allele CA9908466.

ClinVar aggregate classification (germline): Uncertain significance (1 of 4 stars; one submission).

Allele frequency attached by ClinVar (database versions not stated): ExAC 0.00001; gnomAD exomes 0.00002 and 0.00003; gnomAD 0.00003 and 0.00004; TOPMed 0.00004.
gnomAD v4.1: 59 of 1,614,106 alleles (0.0037%); highest among the groups gnomAD compares: Non-Finnish European, 0.0045%; no homozygotes.

Submission:

Labcorp Genetics (formerly Invitae), Labcorp
Classification: Uncertain significance. Last evaluated: 2022-08-31. Review status: criteria provided, single submitter. Criteria: Invitae Variant Classification Sherloc (09022015). Collection method: clinical testing. Allele origin: germline.
Comment: This sequence change replaces arginine, which is basic and polar, with glycine, which is neutral and non-polar, at codon 1007 of the ADNP protein (p.Arg1007Gly). In summary, the available evidence is currently insufficient to determine the role of this variant in disease. Therefore, it has been classified as a Variant of Uncertain Significance. Algorithms developed to predict the effect of missense changes on protein structure and function are either unavailable or do not agree on the potential impact of this missense change (SIFT: "Not Available"; PolyPhen-2: "Benign"; Align-GVGD: "Not Available"). ClinVar contains an entry for this variant (Variation ID: 1399552). This variant has not been reported in the literature in individuals affected with ADNP-related conditions. This variant is present in population databases (rs776999443, gnomAD 0.005%).